The following is an entry in ClinVar:

ClinVar aggregate classification (germline): Pathogenic. Review status: criteria provided, multiple submitters, no conflicts (2 of 4 stars). 3 submissions from 3 submitters: Pathogenic (3). Last evaluated 2026-03-04.

Conditions:
Hereditary cancer-predisposing syndrome. Also called: Hereditary Cancer Syndrome; Tumor predisposition; Neoplastic Syndromes, Hereditary; Hereditary neoplastic syndrome. Identifiers: Orphanet 140162, MedGen C0027672, MeSH D009386, MONDO:0015356.
Familial adenomatous polyposis 4 (FAP4). Also called: MSH3-related attenuated familial adenomatous polyposis. Identifiers: Orphanet 480536, MedGen C4310719, MONDO:0044300, OMIM 617100.

Submissions (3):

Ambry Genetics
Classification: Pathogenic for Hereditary cancer-predisposing syndrome. Last evaluated: 2026-03-04. Review status: criteria provided, single submitter. Criteria: Ambry Variant Classification Scheme 2023. Collection method: clinical testing. Allele origin: germline.
Comment: The c.1418_1419delCA pathogenic mutation, located in coding exon 9 of the MSH3 gene, results from a deletion of two nucleotides at nucleotide positions 1418 to 1419, causing a translational frameshift with a predicted alternate stop codon (p.T473Rfs*9). This variant is considered to be rare based on population cohorts in the Genome Aggregation Database (gnomAD). This alteration is expected to result in loss of function by premature protein truncation or nonsense-mediated mRNA decay. As such, this alteration is interpreted as a disease-causing mutation.

Myriad Genetics, Inc.
Classification: Pathogenic for Familial adenomatous polyposis 4. Last evaluated: 2023-08-30. Review status: criteria provided, single submitter. Criteria: Myriad Autosomal Dominant, Autosomal Recessive and X-Linked Classification Criteria (2023). Collection method: clinical testing. Allele origin: unknown.
Comment: This variant is considered pathogenic. This variant creates a frameshift predicted to result in premature protein truncation.

Labcorp Genetics (formerly Invitae), Labcorp
Classification: Pathogenic. Last evaluated: 2021-01-25. Review status: criteria provided, single submitter. Criteria: Invitae Variant Classification Sherloc (09022015). Collection method: clinical testing. Allele origin: germline.
Comment: This variant is not present in population databases (ExAC no frequency). This variant has not been reported in the literature in individuals with MSH3-related conditions. ClinVar contains an entry for this variant (Variation ID: 856590). For these reasons, this variant has been classified as Pathogenic. This sequence change creates a premature translational stop signal (p.Thr473Argfs*9) in the MSH3 gene. It is expected to result in an absent or disrupted protein product. Loss-of-function variants in MSH3 are known to be pathogenic (PMID: 27476653).

Literature cited by the submitters: PubMed 27476653 (cited by Labcorp Genetics (formerly Invitae), Labcorp).

NM_002439.5(MSH3):c.1418_1419del (p.Thr473fs)

Gene: MSH3 (mutS homolog 3; plus strand). Cytogenetic location: 5q14.1.
Variant type: Deletion.
Coding change: c.1418_1419del on transcript NM_002439.5 (MANE Select); coding-DNA positions 1418 to 1419, 2 bases deleted (CA; older notation c.1418_1419delCA).
Protein change: p.Thr473fs; shifts the reading frame from threonine 473.
Molecular consequence: frameshift variant.
Genome position (GRCh38, 1-based): chr5:80,725,530-80,725,531, CA deleted; deleting any 2 consecutive bases within chr5:80,725,529-80,725,531 gives the same sequence; the c. name uses the placement nearest the transcript's 3' end. VCF-style (leftmost placement, unchanged base first): chr5-80725528-TAC-T. GRCh37 (hg19) VCF-style: chr5-80021347-TAC-T.
Other names: c.1418_1419delCA (NM_002439.3); short protein forms T473fs.
Identifiers: ClinVar variation 856590 (VCV000856590.9), dbSNP rs772520703, ClinGen allele CA121292344.